The following is an entry in ClinVar:

ClinVar aggregate classification (germline): Uncertain significance (1 of 4 stars; one submission).

Conditions:
Charcot-Marie-Tooth disease axonal type 2O. Also called: CHARCOT-MARIE-TOOTH NEUROPATHY, AXONAL, TYPE 2O; CHARCOT-MARIE-TOOTH DISEASE, AXONAL, AUTOSOMAL DOMINANT, TYPE 2O; Charcot-Marie-Tooth Neuropathy Type 2O; Charcot-Marie-Tooth disease, axonal, type 20. Identifiers: Orphanet 284232, MedGen C3280220, MONDO:0013644, OMIM 614228.

Submission:

Labcorp Genetics (formerly Invitae), Labcorp
Classification: Uncertain significance for Charcot-Marie-Tooth disease axonal type 2O. Last evaluated: 2023-06-30. Review status: criteria provided, single submitter. Criteria: Invitae Variant Classification Sherloc (09022015). Collection method: clinical testing. Allele origin: germline.
Comment: In summary, the available evidence is currently insufficient to determine the role of this variant in disease. Therefore, it has been classified as a Variant of Uncertain Significance. Advanced modeling of protein sequence and biophysical properties (such as structural, functional, and spatial information, amino acid conservation, physicochemical variation, residue mobility, and thermodynamic stability) performed at Invitae indicates that this missense variant is not expected to disrupt DYNC1H1 protein function. ClinVar contains an entry for this variant (Variation ID: 1016674). This variant has not been reported in the literature in individuals affected with DYNC1H1-related conditions. This variant is not present in population databases (gnomAD no frequency). This sequence change replaces proline, which is neutral and non-polar, with serine, which is neutral and polar, at codon 3123 of the DYNC1H1 protein (p.Pro3123Ser).

NM_001376.5(DYNC1H1):c.9367C>T (p.Pro3123Ser)

Genes: DYNC1H1 (dynein cytoplasmic 1 heavy chain 1; plus strand), LOC126862060 (BRD4-independent group 4 enhancer GRCh37_chr14:102493659-102494858; plus strand). Cytogenetic location: 14q32.31.
Variant type: single nucleotide variant.
Coding change: c.9367C>T on transcript NM_001376.5 (MANE Select); coding-DNA position 9367, C replaced by T.
Protein change: p.Pro3123Ser; replaces proline 3123 with serine.
Molecular consequence: missense variant.
Genome position (GRCh38, 1-based): chr14:102,028,040, C>T. VCF-style: chr14-102028040-C-T. GRCh37 (hg19) VCF-style: chr14-102494377-C-T.
Other names: short protein forms P3123S.
Identifiers: ClinVar variation 1016674 (VCV001016674.9), dbSNP rs2048469916, ClinGen allele CA391013958.